The following is an entry in ClinVar:

ClinVar aggregate classification (germline): Uncertain significance (1 of 4 stars; one submission).

gnomAD v4.1: 1 of 1,612,534 alleles (0.000062%); highest among the groups gnomAD compares: Non-Finnish European, 0.000085%; no homozygotes.

Submission:

CeGaT Center for Human Genetics Tuebingen
Classification: Uncertain significance. Last evaluated: 2025-12-01. Review status: criteria provided, single submitter. Criteria: CeGaT Center For Human Genetics Tuebingen Variant Classification Criteria Version 2. Collection method: clinical testing. Allele origin: germline. Affected: yes. Observed: 1 variant allele.
Comment: SEMA6B: PM2

NM_032108.4(SEMA6B):c.909C>A (p.Asn303Lys)

Gene: SEMA6B (semaphorin 6B; minus strand). Cytogenetic location: 19p13.3.
Variant type: single nucleotide variant.
Coding change: c.909C>A on transcript NM_032108.4 (MANE Select); coding-DNA position 909, C replaced by A.
Protein change: p.Asn303Lys; replaces asparagine 303 with lysine.
Molecular consequence: missense variant.
Genome position (GRCh38, 1-based): chr19:4,552,502, G>T on the plus strand (C>A on the coding strand, the complement: SEMA6B is on the minus strand). VCF-style: chr19-4552502-G-T. GRCh37 (hg19) VCF-style: chr19-4552514-G-T.
Other names: short protein forms N303K.
Identifiers: ClinVar variation 4682008 (VCV004682008.5).